The following is an entry in ClinVar:

ClinVar aggregate classification (germline): Pathogenic (1 of 4 stars; one submission).

Conditions:
Catecholaminergic polymorphic ventricular tachycardia 1. Also called: VENTRICULAR TACHYCARDIA, CATECHOLAMINERGIC POLYMORPHIC, 1, WITH OR WITHOUT ATRIAL DYSFUNCTION AND/OR DILATED CARDIOMYOPATHY; VENTRICULAR TACHYCARDIA, STRESS-INDUCED POLYMORPHIC 1; RYR2-Related Catecholaminergic Polymorphic Ventricular Tachycardia. Identifiers: Orphanet 3286, MedGen C1631597, MONDO:0011484, OMIM 604772.

Submission:

Labcorp Genetics (formerly Invitae), Labcorp
Classification: Pathogenic for Catecholaminergic polymorphic ventricular tachycardia 1. Last evaluated: 2024-08-10. Review status: criteria provided, single submitter. Criteria: Invitae Variant Classification Sherloc (09022015). Collection method: clinical testing. Allele origin: germline.
Comment: This sequence change affects an acceptor splice site in intron 3 of the CASQ2 gene. It is expected to disrupt RNA splicing. Variants that disrupt the donor or acceptor splice site typically lead to a loss of protein function (PMID: 16199547), and loss-of-function variants in CASQ2 are known to be pathogenic (PMID: 12386154). This variant is not present in population databases (gnomAD no frequency). Disruption of this splice site has been observed in individual(s) with autosomal recessive catecholaminergic polymorphic ventricular tachycardia (CPVT) (PMID: 32693635). It has also been observed to segregate with disease in related individuals. Algorithms developed to predict the effect of sequence changes on RNA splicing suggest that this variant may disrupt the consensus splice site. For these reasons, this variant has been classified as Pathogenic.

Literature cited by the submitters: PubMed 16199547; PubMed 12386154; PubMed 32693635.

NM_001232.4(CASQ2):c.421-2A>T

Gene: CASQ2 (calsequestrin 2; minus strand). Cytogenetic location: 1p13.1.
Variant type: single nucleotide variant.
Coding change: c.421-2A>T on transcript NM_001232.4 (MANE Select); the canonical splice acceptor site of the intron before coding-DNA position 421, A replaced by T.
Molecular consequence: splice acceptor variant.
Genome position (GRCh38, 1-based): chr1:115,738,337, T>A on the plus strand (A>T on the coding strand, the complement: CASQ2 is on the minus strand). VCF-style: chr1-115738337-T-A. GRCh37 (hg19) VCF-style: chr1-116280958-T-A.
Identifiers: ClinVar variation 3676998 (VCV003676998.2).
Genomic context (GRCh38, chr1:115,738,337, plus strand): 5'-CGTTCGAAGGCTTGGACTTCCAGTTTGCTGCTGATGATCTCCACTGGGTCTTCAATTAGC[T>A]GAAATGCCACACGCACATACACACATGTTCAAACAAGAGATTTCCTTCTTCACTGGGGAA-3'